The following is an entry in ClinVar:

ClinVar aggregate classification (germline): Pathogenic (1 of 4 stars; one submission).

Submission:

Labcorp Genetics (formerly Invitae), Labcorp
Classification: Pathogenic. Last evaluated: 2021-08-05. Review status: criteria provided, single submitter. Criteria: Invitae Variant Classification Sherloc (09022015). Collection method: clinical testing. Allele origin: germline.
Comment: For these reasons, this variant has been classified as Pathogenic. This variant has not been reported in the literature in individuals affected with USH2A-related conditions. This variant is not present in population databases (ExAC no frequency). This sequence change creates a premature translational stop signal (p.Trp5042*) in the USH2A gene. It is expected to result in an absent or disrupted protein product. Loss-of-function variants in USH2A are known to be pathogenic (PMID: 10729113, 10909849, 20507924, 25649381).

Literature cited by the submitters: PubMed 10729113; PubMed 10909849; PubMed 20507924; PubMed 25649381.

NM_206933.4(USH2A):c.15125G>A (p.Trp5042Ter)

Gene: USH2A (usherin; minus strand). Cytogenetic location: 1q41.
Variant type: single nucleotide variant.
Coding change: c.15125G>A on transcript NM_206933.4 (MANE Select); coding-DNA position 15125, G replaced by A.
Protein change: p.Trp5042Ter; replaces tryptophan 5042 with a stop codon.
Molecular consequence: nonsense.
Genome position (GRCh38, 1-based): chr1:215,634,631, C>T on the plus strand (G>A on the coding strand, the complement: USH2A is on the minus strand). VCF-style: chr1-215634631-C-T. GRCh37 (hg19) VCF-style: chr1-215807973-C-T.
Other names: short protein forms W5042*.
Identifiers: ClinVar variation 1402095 (VCV001402095.6), dbSNP rs2102630643, ClinGen allele CA344824333.